The following is an entry in ClinVar:

NM_000138.5(FBN1):c.5875A>G (p.Asn1959Asp)

Gene: FBN1 (fibrillin 1; minus strand). Cytogenetic location: 15q21.1.
Variant type: single nucleotide variant.
Coding change: c.5875A>G on transcript NM_000138.5 (MANE Select); coding-DNA position 5875, A replaced by G.
Protein change: p.Asn1959Asp; replaces asparagine 1959 with aspartic acid.
Molecular consequence: missense variant.
Genome position (GRCh38, 1-based): chr15:48,445,418, T>C on the plus strand (A>G on the coding strand, the complement: FBN1 is on the minus strand). VCF-style: chr15-48445418-T-C. GRCh37 (hg19) VCF-style: chr15-48737615-T-C.
Other names: short protein forms N1959D.
Identifiers: ClinVar variation 920583 (VCV000920583.15), dbSNP rs956702513, ClinGen allele CA269532829.

ClinVar aggregate classification (germline): Uncertain significance. Review status: criteria provided, multiple submitters, no conflicts (2 of 4 stars). 5 submissions from 5 submitters: Uncertain significance (5). Last evaluated 2024-12-31.

Conditions:
Marfan syndrome (MFS). Also called: Marfan syndrome, classic; Marfan syndrome type 1; Marfan's syndrome; FBN1-Related Marfan Syndrome; MARFAN SYNDROME, TYPE I. Identifiers: Orphanet 284963, Orphanet 558, MedGen C0024796, MONDO:0007947, OMIM 154700.
Familial thoracic aortic aneurysm and aortic dissection (TAAD). Also called: Thoracic aortic aneurysms and dissections. Identifiers: Orphanet 91387, MedGen C4707243, MONDO:0019625.
Weill-Marchesani syndrome 2, dominant. Also called: FBN1-Related Weill-Marchesani Syndrome; Weill-Marchesani Syndrome, Autosomal Dominant. Identifiers: Orphanet 2084, MedGen C1869115, MONDO:0012013, OMIM 608328.
Progeroid and marfanoid aspect-lipodystrophy syndrome. Also called: MARFANOID-PROGEROID SYNDROME; MARFAN-PROGEROID-LIPODYSTROPHY SYNDROME; Marfan lipodystrophy syndrome; MARFANOID-PROGEROID-LIPODYSTROPHY SYNDROME. Identifiers: Orphanet 300382, MedGen C4310796, MONDO:0014831, OMIM 616914.
Acromicric dysplasia (ACMICD). Also called: Acromicric skeletal dysplasia. Identifiers: Orphanet 969, MedGen C0265287, MONDO:0007055, OMIM 102370.
Ectopia lentis 1, isolated, autosomal dominant (ECTOL1). Identifiers: Orphanet 1885, MedGen C3541518, MONDO:0007514, OMIM 129600.
Geleophysic dysplasia 2 (GPHYSD2). Identifiers: Orphanet 2623, MedGen C3280054, MONDO:0013612, OMIM 614185.
MASS syndrome (OCTD). Also called: OVERLAP CONNECTIVE TISSUE DISEASE; MASS PHENOTYPE. Identifiers: MedGen C1858556, MONDO:0011431, OMIM 604308.
Stiff skin syndrome (SSKS). Identifiers: Orphanet 2833, MedGen C1861456, MONDO:0008492, OMIM 184900.

Allele frequency attached by ClinVar (database versions not stated): gnomAD 0.00001; gnomAD exomes below 0.00001; TOPMed 0.00002.
gnomAD v4.1: 8 of 1,612,670 alleles (0.0005%); highest among the groups gnomAD compares: Non-Finnish European, 0.00068%; no homozygotes.

Submissions (5):

Labcorp Genetics (formerly Invitae), Labcorp
Classification: Uncertain significance for Marfan syndrome; Familial thoracic aortic aneurysm and aortic dissection. Last evaluated: 2024-12-31. Review status: criteria provided, single submitter. Criteria: Invitae Variant Classification Sherloc (09022015). Collection method: clinical testing. Allele origin: germline.
Comment: This sequence change replaces asparagine, which is neutral and polar, with aspartic acid, which is acidic and polar, at codon 1959 of the FBN1 protein (p.Asn1959Asp). This variant is not present in population databases (gnomAD no frequency). This variant has not been reported in the literature in individuals affected with FBN1-related conditions. ClinVar contains an entry for this variant (Variation ID: 920583). Invitae Evidence Modeling of protein sequence and biophysical properties (such as structural, functional, and spatial information, amino acid conservation, physicochemical variation, residue mobility, and thermodynamic stability) indicates that this missense variant is not expected to disrupt FBN1 protein function with a negative predictive value of 95%. In summary, the available evidence is currently insufficient to determine the role of this variant in disease. Therefore, it has been classified as a Variant of Uncertain Significance.

All of Us Research Program, National Institutes of Health
Classification: Uncertain significance for Marfan syndrome. Last evaluated: 2024-06-17. Review status: criteria provided, single submitter. Criteria: ACMG Guidelines, 2015. Collection method: clinical testing. Allele origin: germline. Inheritance: Autosomal dominant inheritance. Observed: 2 variant alleles, 2 heterozygotes.
Comment: Variant of Uncertain Significance due to insufficient evidence: This missense variant is located in the calcium-binding EGF-like motif 33 of the FBN1 protein. Computational prediction tools and conservation analyses are inconclusive regarding the impact of this variant on the protein function. Computational splicing tools suggest that this variant may not impact RNA splicing. To our knowledge, functional assays have not been performed for this variant nor has this variant been reported in individuals affected with cardiovascular disorders in the literature. This variant is rare in the general population and has been identified in 0/277264 chromosomes by the Genome Aggregation Database (gnomAD). Available evidence is insufficient to determine the role of this variant in disease conclusively.

This study involves interpretation of variants in research participants for the purpose of population health screening. Participant phenotype was not available at the time of variant classification. Additional details can be found in publication PMID: 35346344, PMCID: PMC8962531

Color Diagnostics, LLC DBA Color Health
Classification: Uncertain significance for Familial thoracic aortic aneurysm and aortic dissection. Last evaluated: 2024-03-06. Review status: criteria provided, single submitter. Criteria: ACMG Guidelines, 2015. Collection method: clinical testing. Allele origin: germline.
Comment: This missense variant replaces asparagine with aspartic acid at codon 1959 of the FBN1 protein. Computational prediction suggests that this variant may not impact protein structure and function (internally defined REVEL score threshold <= 0.5, PMID: 27666373). To our knowledge, functional studies have not been reported for this variant. This variant has not been reported in individuals affected with FBN1-related disorders in the literature. This variant has not been identified in the general population by the Genome Aggregation Database (gnomAD). The available evidence is insufficient to determine the role of this variant in disease conclusively. Therefore, this variant is classified as a Variant of Uncertain Significance.

Phosphorus, Inc.
Classification: Uncertain significance. Last evaluated: 2022-01-19. Review status: criteria provided, single submitter. Criteria: ACMG Guidelines, 2015. Collection method: clinical testing. Allele origin: germline. Inheritance: Autosomal dominant inheritance.
Comment: This missense variant results in a substitution of asparagine with aspartic acid at codon 1959 of the FBN1 gene (transcript NM_000138.4). This variant has been reported in ClinVar (920583) NM_000138.5 (FBN1):c.5875A>G (p.Asn1959Asp). The variant has not occurred in population databases. This position is conserved. In silico functional algorithms agree, predicting it as benign (PolyPhen/REVEL) and tolerated (SIFT), but no functional studies were performed to confirm these predictions. The variant has not occurred in the literature associated with the disease. In conclusion, the available evidence is insufficient to determine the pathogenicity of this variant. Therefore, it is classified as a Variant of Uncertain Significance.

Fulgent Genetics
Classification: Uncertain significance for Acromicric dysplasia; Ectopia lentis 1, isolated, autosomal dominant; Marfan syndrome; Stiff skin syndrome; MASS syndrome; Weill-Marchesani syndrome 2, dominant; Geleophysic dysplasia 2; Progeroid and marfanoid aspect-lipodystrophy syndrome. Last evaluated: 2021-11-17. Review status: criteria provided, single submitter. Criteria: ACMG Guidelines, 2015. Collection method: clinical testing. Allele origin: unknown.